The following is an entry in ClinVar:

ClinVar aggregate classification (germline): Uncertain significance. Review status: criteria provided, multiple submitters, no conflicts (2 of 4 stars). 2 submissions from 2 submitters: Uncertain significance (2). Last evaluated 2024-11-21.

Allele frequency attached by ClinVar (database versions not stated): gnomAD exomes 0.00002; gnomAD 0.00006; TOPMed 0.00009; ExAC 0.00008.

Submissions (2):

GeneDx
Classification: Uncertain significance. Last evaluated: 2024-11-21. Review status: criteria provided, single submitter. Criteria: GeneDx Variant Classification Process June 2021. Collection method: clinical testing. Allele origin: germline. Affected: yes.
Comment: In silico analysis supports that this missense variant has a deleterious effect on protein structure/function; Has not been previously published as pathogenic or benign to our knowledge

Labcorp Genetics (formerly Invitae), Labcorp
Classification: Uncertain significance. Last evaluated: 2023-07-28. Review status: criteria provided, single submitter. Criteria: Invitae Variant Classification Sherloc (09022015). Collection method: clinical testing. Allele origin: germline.
Comment: This sequence change replaces arginine, which is basic and polar, with cysteine, which is neutral and slightly polar, at codon 215 of the EXOSC9 protein (p.Arg215Cys). This variant is present in population databases (rs762663826, gnomAD 0.2%). This variant has not been reported in the literature in individuals affected with EXOSC9-related conditions. ClinVar contains an entry for this variant (Variation ID: 1900532). Advanced modeling of protein sequence and biophysical properties (such as structural, functional, and spatial information, amino acid conservation, physicochemical variation, residue mobility, and thermodynamic stability) performed at Invitae indicates that this missense variant is not expected to disrupt EXOSC9 protein function. In summary, the available evidence is currently insufficient to determine the role of this variant in disease. Therefore, it has been classified as a Variant of Uncertain Significance.

NM_005033.3(EXOSC9):c.643C>T (p.Arg215Cys)

Gene: EXOSC9 (exosome component 9; plus strand). Cytogenetic location: 4q27.
Variant type: single nucleotide variant.
Coding change: c.643C>T on transcript NM_005033.3 (MANE Select); coding-DNA position 643, C replaced by T.
Protein change: p.Arg215Cys; replaces arginine 215 with cysteine.
Molecular consequence: missense variant.
Genome position (GRCh38, 1-based): chr4:121,810,004, C>T. VCF-style: chr4-121810004-C-T. GRCh37 (hg19) VCF-style: chr4-122731159-C-T.
Other names: c.643C>T, p.Arg215Cys (NM_001034194.2); c.643C>T (NM_001034194.1); short protein forms R215C.
Identifiers: ClinVar variation 1900532 (VCV001900532.4), dbSNP rs762663826, ClinGen allele CA3063482.
Genomic context (GRCh38, chr4:121,810,004, plus strand): 5'-GGTCCATTTAACATTCATTTCAGAACATATTTATTGGTGGATCCCAATGAACGAGAAGAA[C>T]GTGTGATGGATGGCTTGCTGGTGATTGCCATGAACAAACATCGAGAGATTTGTACTATCC-3'
Protein context (NP_005024.2, residues 205-225): LLVDPNEREE[Arg215Cys]VMDGLLVIAM